The following is an entry in ClinVar:

ClinVar aggregate classification (germline): Uncertain significance (1 of 4 stars; one submission).

Submission:

Labcorp Genetics (formerly Invitae), Labcorp
Classification: Uncertain significance. Last evaluated: 2024-01-17. Review status: criteria provided, single submitter. Criteria: Invitae Variant Classification Sherloc (09022015). Collection method: clinical testing. Allele origin: germline.
Comment: This sequence change replaces threonine, which is neutral and polar, with alanine, which is neutral and non-polar, at codon 262 of the CDT1 protein (p.Thr262Ala). Information on the frequency of this variant in the gnomAD database is not available, as this variant may be reported differently in the database. This variant has not been reported in the literature in individuals affected with CDT1-related conditions. ClinVar contains an entry for this variant (Variation ID: 1462607). Experimental studies and prediction algorithms are not available or were not evaluated, and the functional significance of this variant is currently unknown. In summary, the available evidence is currently insufficient to determine the role of this variant in disease. Therefore, it has been classified as a Variant of Uncertain Significance.

NM_030928.4(CDT1):c.783_784inv (p.Thr262Ala)

Gene: CDT1 (chromatin licensing and DNA replication factor 1; plus strand). Cytogenetic location: 16q24.3.
Variant type: Inversion.
Coding change: c.783_784inv on transcript NM_030928.4 (MANE Select).
Protein change: p.Thr262Ala; replaces threonine 262 with alanine.
Molecular consequence: missense variant.
Genome position: GRCh38 VCF-style: chr16-88805820-CA-TG. GRCh37 (hg19) VCF-style: chr16-88872228-CA-TG.
Other names: short protein forms T262A.
Identifiers: ClinVar variation 1462607 (VCV001462607.5), ClinGen allele CA2573152847.